The following is an entry in ClinVar:

NM_207361.6(FREM2):c.8641G>A (p.Gly2881Arg)

Gene: FREM2 (FRAS1 related extracellular matrix 2; plus strand). Cytogenetic location: 13q13.3.
Variant type: single nucleotide variant.
Coding change: c.8641G>A on transcript NM_207361.6 (MANE Select); coding-DNA position 8641, G replaced by A.
Protein change: p.Gly2881Arg; replaces glycine 2881 with arginine.
Molecular consequence: missense variant.
Genome position (GRCh38, 1-based): chr13:38,877,213, G>A. VCF-style: chr13-38877213-G-A. GRCh37 (hg19) VCF-style: chr13-39451350-G-A.
Other names: short protein forms G2881R.
Identifiers: ClinVar variation 3608621 (VCV003608621.2).

ClinVar aggregate classification (germline): Uncertain significance (1 of 4 stars; one submission).

gnomAD v4.1: 24 of 1,613,792 alleles (0.0015%); highest among the groups gnomAD compares: South Asian, 0.0022%; no homozygotes.

Submission:

Labcorp Genetics (formerly Invitae), Labcorp
Classification: Uncertain significance. Last evaluated: 2024-10-14. Review status: criteria provided, single submitter. Criteria: Invitae Variant Classification Sherloc (09022015). Collection method: clinical testing. Allele origin: germline.
Comment: This sequence change replaces glycine, which is neutral and non-polar, with arginine, which is basic and polar, at codon 2881 of the FREM2 protein (p.Gly2881Arg). This variant is present in population databases (rs747262430, gnomAD 0.005%). This variant has not been reported in the literature in individuals affected with FREM2-related conditions. Invitae Evidence Modeling of protein sequence and biophysical properties (such as structural, functional, and spatial information, amino acid conservation, physicochemical variation, residue mobility, and thermodynamic stability) indicates that this missense variant is expected to disrupt FREM2 protein function with a positive predictive value of 80%. In summary, the available evidence is currently insufficient to determine the role of this variant in disease. Therefore, it has been classified as a Variant of Uncertain Significance.